The following is an entry in ClinVar:

ClinVar aggregate classification (germline): Uncertain significance. Review status: criteria provided, multiple submitters, no conflicts (2 of 4 stars). 2 submissions from 2 submitters: Uncertain significance (2). Last evaluated 2025-11-08.

Conditions:
Hereditary cancer-predisposing syndrome. Also called: Hereditary Cancer Syndrome; Hereditary neoplastic syndrome; Neoplastic Syndromes, Hereditary; Tumor predisposition. Identifiers: Orphanet 140162, MedGen C0027672, MeSH D009386, MONDO:0015356.
Neurofibromatosis, type 2 (SWNV). Also called: SCHWANNOMATOSIS, VESTIBULAR; NF2-Related Schwannomatosis; BILATERAL ACOUSTIC NEUROFIBROMATOSIS. Identifiers: Orphanet 637, MedGen C0027832, MONDO:0007039, OMIM 101000. Disease mechanism: loss of function.

Allele frequency attached by ClinVar (database versions not stated): gnomAD exomes below 0.00001.
gnomAD v4.1: 1 of 1,613,608 alleles (0.000062%); highest among the groups gnomAD compares: Non-Finnish European, 0.000085%; no homozygotes.

Submissions (2):

Ambry Genetics
Classification: Uncertain significance for Hereditary cancer-predisposing syndrome. Last evaluated: 2025-11-08. Review status: criteria provided, single submitter. Criteria: Ambry Variant Classification Scheme 2023. Collection method: clinical testing. Allele origin: germline.
Comment: The p.K289E variant (also known as c.865A>G), located in coding exon 9 of the NF2 gene, results from an A to G substitution at nucleotide position 865. The lysine at codon 289 is replaced by glutamic acid, an amino acid with similar properties. This amino acid position is conserved. In addition, the in silico prediction for this alteration is inconclusive. Since supporting evidence is limited at this time, the clinical significance of this alteration remains unclear.

Labcorp Genetics (formerly Invitae), Labcorp
Classification: Uncertain significance for Neurofibromatosis, type 2. Last evaluated: 2025-02-23. Review status: criteria provided, single submitter. Criteria: Invitae Variant Classification Sherloc (09022015). Collection method: clinical testing. Allele origin: germline.
Comment: This sequence change replaces lysine, which is basic and polar, with glutamic acid, which is acidic and polar, at codon 289 of the NF2 protein (p.Lys289Glu). This variant is not present in population databases (gnomAD no frequency). This variant has not been reported in the literature in individuals affected with NF2-related conditions. ClinVar contains an entry for this variant (Variation ID: 1764209). Invitae Evidence Modeling of protein sequence and biophysical properties (such as structural, functional, and spatial information, amino acid conservation, physicochemical variation, residue mobility, and thermodynamic stability) indicates that this missense variant is not expected to disrupt NF2 protein function with a negative predictive value of 80%. In summary, the available evidence is currently insufficient to determine the role of this variant in disease. Therefore, it has been classified as a Variant of Uncertain Significance.

NM_000268.4(NF2):c.865A>G (p.Lys289Glu)

Gene: NF2 (NF2, moesin-ezrin-radixin like (MERLIN) tumor suppressor; plus strand). Cytogenetic location: 22q12.2.
Variant type: single nucleotide variant.
Coding change: c.865A>G on transcript NM_000268.4 (MANE Select); coding-DNA position 865, A replaced by G.
Protein change: p.Lys289Glu; replaces lysine 289 with glutamic acid.
Molecular consequence: missense variant. On other transcripts: non-coding transcript variant (1), intron variant (1).
Genome position (GRCh38, 1-based): chr22:29,665,044, A>G. VCF-style: chr22-29665044-A-G. GRCh37 (hg19) VCF-style: chr22-30061033-A-G.
Other names: c.751A>G, p.Lys251Glu (NM_001407053.1, NM_001407056.1); c.742A>G, p.Lys248Glu (NM_001407054.1, NM_001407058.1, NM_181829.3); c.739A>G, p.Lys247Glu (NM_001407055.1, NM_181828.3); c.730A>G, p.Lys244Glu (NM_001407057.1, NM_001407059.1); c.865A>G, p.Lys289Glu (NM_001407060.1, NM_001407066.1, NM_016418.5 and 2 more transcripts); c.607A>G, p.Lys203Glu (NM_001407062.1); c.616A>G, p.Lys206Glu (NM_001407063.1, NM_001407064.1, NM_181830.3 and 1 more transcripts); c.331A>G, p.Lys111Glu (NM_001407065.1); and 2 more; short protein forms K206E, K247E, K251E, K212E, K111E, K203E, K244E, K289E.
Identifiers: ClinVar variation 1764209 (VCV001764209.4), dbSNP rs2518624367, ClinGen allele CA411144739.